The following is an entry in ClinVar:

NM_024307.3(GDPD3):c.819+9G>T

Gene: GDPD3 (glycerophosphodiester phosphodiesterase domain containing 3; minus strand). Cytogenetic location: 16p11.2.
Variant type: single nucleotide variant.
Coding change: c.819+9G>T on transcript NM_024307.3 (MANE Select); 9 bases into the intron after coding-DNA position 819, G replaced by T.
Molecular consequence: intron variant.
Genome position (GRCh38, 1-based): chr16:30,108,204, C>A on the plus strand (G>T on the coding strand, the complement: GDPD3 is on the minus strand). VCF-style: chr16-30108204-C-A. GRCh37 (hg19) VCF-style: chr16-30119525-C-A.
Identifiers: ClinVar variation 512692 (VCV000512692.2), dbSNP rs8061772, ClinGen allele CA8002257.

ClinVar aggregate classification (germline): Benign. Review status: criteria provided, multiple submitters, no conflicts (2 of 4 stars). 2 submissions from 2 submitters: Benign (2). Last evaluated 2017-10-09.

Allele frequency attached by ClinVar (database versions not stated): ESP Exome Variant Server 0.84562; gnomAD 0.84928 and 0.85474; TOPMed 0.85567; gnomAD exomes 0.86831 and 0.88525; ExAC 0.88279; 1000 Genomes Project 30x 0.88960; 1000 Genomes Project 0.89517.
gnomAD v4.1: 1,370,528 of 1,580,250 alleles (87%); highest among the groups gnomAD compares: East Asian, 98%; 595,688 homozygotes.

Submissions (2):

GeneDx
Classification: Benign. Last evaluated: 2017-10-09. Review status: criteria provided, single submitter. Criteria: GeneDx Variant Classification (06012015). Collection method: clinical testing. Allele origin: germline. Affected: yes.
Comment: This variant is considered likely benign or benign based on one or more of the following criteria: it is a conservative change, it occurs at a poorly conserved position in the protein, it is predicted to be benign by multiple in silico algorithms, and/or has population frequency not consistent with disease.

Breakthrough Genomics
Classification: Benign. Review status: criteria provided, single submitter. Criteria: ACMG Guidelines, 2015. Collection method: not provided. Allele origin: germline. Inheritance: Unknown mechanism. Affected: yes.